The following is an entry in ClinVar:

ClinVar aggregate classification (germline): Uncertain significance (1 of 4 stars; one submission).

Conditions:
Cohen syndrome (COH1). Also called: PEPPER SYNDROME; Cutis verticis gyrata, retinitis pigmentosa, and sensorineural deafness. Identifiers: Orphanet 193, MedGen C0265223, MONDO:0008999, OMIM 216550.

Submission:

Labcorp Genetics (formerly Invitae), Labcorp
Classification: Uncertain significance for Cohen syndrome. Last evaluated: 2022-07-19. Review status: criteria provided, single submitter. Criteria: Invitae Variant Classification Sherloc (09022015). Collection method: clinical testing. Allele origin: germline.
Comment: In summary, the available evidence is currently insufficient to determine the role of this variant in disease. Therefore, it has been classified as a Variant of Uncertain Significance. Algorithms developed to predict the effect of missense changes on protein structure and function are either unavailable or do not agree on the potential impact of this missense change (SIFT: "Not Available"; PolyPhen-2: "Possibly Damaging"; Align-GVGD: "Not Available"). ClinVar contains an entry for this variant (Variation ID: 1418820). This variant has not been reported in the literature in individuals affected with VPS13B-related conditions. This variant is not present in population databases (gnomAD no frequency). This sequence change replaces threonine, which is neutral and polar, with alanine, which is neutral and non-polar, at codon 2501 of the VPS13B protein (p.Thr2501Ala).

NM_152564.5(VPS13B):c.7426A>G (p.Thr2476Ala)

Gene: VPS13B (vacuolar protein sorting 13 homolog B; plus strand). Cytogenetic location: 8q22.2.
Variant type: single nucleotide variant.
Coding change: c.7426A>G on transcript NM_152564.5 (MANE Select); coding-DNA position 7426, A replaced by G.
Protein change: p.Thr2476Ala; replaces threonine 2476 with alanine.
Molecular consequence: missense variant.
Genome position (GRCh38, 1-based): chr8:99,776,953, A>G. VCF-style: chr8-99776953-A-G. GRCh37 (hg19) VCF-style: chr8-100789181-A-G.
Other names: c.7501A>G, p.Thr2501Ala (NM_017890.5); short protein forms T2501A, T2476A.
Identifiers: ClinVar variation 1418820 (VCV001418820.8), dbSNP rs2130668658, ClinGen allele CA371875916.